The following is an entry in ClinVar:

ClinVar aggregate classification (germline): Uncertain significance (1 of 4 stars; one submission).

Conditions:
Congenital myopathy with internal nuclei and atypical cores. Also called: Myopathy, centronuclear, 4. Identifiers: Orphanet 319160, MedGen C4707232, MONDO:0013890, OMIM 614807.

Submission:

Labcorp Genetics (formerly Invitae), Labcorp
Classification: Uncertain significance for Congenital myopathy with internal nuclei and atypical cores. Last evaluated: 2025-02-05. Review status: criteria provided, single submitter. Criteria: Invitae Variant Classification Sherloc (09022015). Collection method: clinical testing. Allele origin: germline.
Comment: This sequence change creates a premature translational stop signal (p.Arg16Leufs*41) in the CCDC78 gene. It is expected to result in an absent or disrupted protein product. However, the current clinical and genetic evidence is not sufficient to establish whether loss-of-function variants in CCDC78 cause disease. This variant is present in population databases (no rsID available, gnomAD 0.01%). This variant has not been reported in the literature in individuals affected with CCDC78-related conditions. In summary, the available evidence is currently insufficient to determine the role of this variant in disease. Therefore, it has been classified as a Variant of Uncertain Significance.

NM_001378030.1(CCDC78):c.41_44dup (p.Arg16fs)

Gene: CCDC78 (coiled-coil domain containing 78; minus strand). Cytogenetic location: 16p13.3.
Variant type: Microsatellite.
Coding change: c.41_44dup on transcript NM_001378030.1 (MANE Select); coding-DNA positions 41 to 44, 4 bases duplicated (CCTC; older notation c.41_44dupCCTC).
Protein change: p.Arg16fs; shifts the reading frame from arginine 16.
Molecular consequence: frameshift variant. On other transcripts: non-coding transcript variant (3), intron variant (1).
Genome position (GRCh38, 1-based): chr16:726,324-726,327, GAGG duplicated on the plus strand (CCTC on the coding strand, the reverse complement: CCDC78 is on the minus strand); duplicating any 4 consecutive bases within chr16:726,324-726,331 gives the same sequence; the c. name uses the placement nearest the transcript's 3' end. VCF-style (leftmost placement, unchanged base first): chr16-726323-A-AGAGG. GRCh37 (hg19) VCF-style: chr16-776323-A-AGAGG.
Other names: c.41_44dup, p.Arg16fs (NM_001031737.3, NM_001378031.1); c.-225-246CCTC[3] (NM_001378033.1); short protein forms R16fs.
Identifiers: ClinVar variation 4699314 (VCV004699314.1).
Genomic context (GRCh38, chr16:726,323, plus strand): 5'-AGACTTCAACCCCATGGCAGGAGCGGCAAGTCCCAGAGGACTCACATTCTCCACCCGCCG[A>AGAGG]GAGGGAGGTCCAGGCCTGGGGCCTGTGGTGGCTGCGTGCTCCATAGGCTAGGGAACCCTG-3'